The following is an entry in ClinVar:

ClinVar aggregate classification (germline): Uncertain significance. Review status: criteria provided, multiple submitters, no conflicts (2 of 4 stars). 2 submissions from 2 submitters: Uncertain significance (2). Last evaluated 2025-03-28.

Conditions:
Inborn genetic diseases. Identifiers: MedGen C0950123, MeSH D030342.

Allele frequency attached by ClinVar (database versions not stated): ExAC 0.00001; gnomAD 0.00001; gnomAD exomes 0.00001; TOPMed 0.00001.
gnomAD v4.1: 9 of 1,613,754 alleles (0.00056%); highest among the groups gnomAD compares: Non-Finnish European, 0.00068%; no homozygotes.

Submissions (2):

Ambry Genetics
Classification: Uncertain significance for Inborn genetic diseases. Last evaluated: 2025-03-28. Review status: criteria provided, single submitter. Criteria: Ambry Variant Classification Scheme 2023. Collection method: clinical testing. Allele origin: germline.

Labcorp Genetics (formerly Invitae), Labcorp
Classification: Uncertain significance. Last evaluated: 2022-06-04. Review status: criteria provided, single submitter. Criteria: Invitae Variant Classification Sherloc (09022015). Collection method: clinical testing. Allele origin: germline.
Comment: In summary, the available evidence is currently insufficient to determine the role of this variant in disease. Therefore, it has been classified as a Variant of Uncertain Significance. Algorithms developed to predict the effect of missense changes on protein structure and function are either unavailable or do not agree on the potential impact of this missense change (SIFT: "Deleterious"; PolyPhen-2: "Benign"; Align-GVGD: "Class C25"). This variant has not been reported in the literature in individuals affected with MPDZ-related conditions. This variant is present in population databases (rs764859544, gnomAD 0.0009%). This sequence change replaces arginine, which is basic and polar, with lysine, which is basic and polar, at codon 1372 of the MPDZ protein (p.Arg1372Lys).

NM_001378778.1(MPDZ):c.4115G>A (p.Arg1372Lys)

Gene: MPDZ (multiple PDZ domain crumbs cell polarity complex component; minus strand). Cytogenetic location: 9p23.
Variant type: single nucleotide variant.
Coding change: c.4115G>A on transcript NM_001378778.1 (MANE Select); coding-DNA position 4115, G replaced by A.
Protein change: p.Arg1372Lys; replaces arginine 1372 with lysine.
Molecular consequence: missense variant.
Genome position (GRCh38, 1-based): chr9:13,138,042, C>T on the plus strand (G>A on the coding strand, the complement: MPDZ is on the minus strand). VCF-style: chr9-13138042-C-T. GRCh37 (hg19) VCF-style: chr9-13138041-C-T.
Other names: c.4115G>A (NM_003829.3); c.4016G>A, p.Arg1339Lys (NM_001261406.2, NM_001261407.2, NM_001375416.1 and 3 more transcripts); c.4115G>A, p.Arg1372Lys (NM_001330637.2, NM_001375413.1, NM_003829.5); c.3905G>A, p.Arg1302Lys (NM_001375420.1, NM_001375421.1, NM_001375422.1 and 4 more transcripts); c.3707G>A, p.Arg1236Lys (NM_001375427.1); short protein forms R1339K, R1372K, R1302K, R1236K.
Identifiers: ClinVar variation 2089607 (VCV002089607.5), dbSNP rs764859544, ClinGen allele CA4986831.